The following is an entry in ClinVar:

NM_004766.3(COPB2):c.1751G>C (p.Ser584Thr)

Gene: COPB2 (coat protein complex I subunit beta 2; minus strand). Cytogenetic location: 3q23.
Variant type: single nucleotide variant.
Coding change: c.1751G>C on transcript NM_004766.3 (MANE Select); coding-DNA position 1751, G replaced by C.
Protein change: p.Ser584Thr; replaces serine 584 with threonine.
Molecular consequence: missense variant. On other transcripts: non-coding transcript variant (1).
Genome position (GRCh38, 1-based): chr3:139,366,701, C>G on the plus strand (G>C on the coding strand, the complement: COPB2 is on the minus strand). VCF-style: chr3-139366701-C-G. GRCh37 (hg19) VCF-style: chr3-139085543-C-G.
Other names: c.1664G>C, p.Ser555Thr (NM_001410834.1); short protein forms S584T, S555T.
Identifiers: ClinVar variation 5034893 (VCV005034893.1).

ClinVar aggregate classification (germline): Uncertain significance (1 of 4 stars; one submission).

Conditions:
Inborn genetic diseases. Identifiers: MedGen C0950123, MeSH D030342.

gnomAD v4.1: 18 of 1,614,084 alleles (0.0011%); highest among the groups gnomAD compares: Non-Finnish European, 0.0014%; no homozygotes.

Submission:

Ambry Genetics
Classification: Uncertain significance for Inborn genetic diseases. Last evaluated: 2026-07-19. Review status: criteria provided, single submitter. Criteria: Ambry Variant Classification Scheme 2023. Collection method: clinical testing. Allele origin: germline.
Comment: The c.1751G>C (p.S584T) alteration is located in exon 15 (coding exon 15) of the COPB2 gene. This alteration results from a G to C substitution at nucleotide position 1751, causing the serine (S) at amino acid position 584 to be replaced by a threonine (T). Based on data from gnomAD, the C allele has an overall frequency of <0.001% (1/251112) total alleles studied. The highest observed frequency was 0.006% (1/16250) of African alleles. Based on insufficient or conflicting evidence, the clinical significance of this alteration remains unclear.